The following is an entry in ClinVar:

ClinVar aggregate classification (germline): Uncertain significance (1 of 4 stars; one submission).

Allele frequency attached by ClinVar (database versions not stated): TOPMed 0.00001.
gnomAD v4.1: 4 of 1,551,832 alleles (0.00026%); highest among the groups gnomAD compares: Admixed American, 0.0039%; no homozygotes.

Submission:

Labcorp Genetics (formerly Invitae), Labcorp
Classification: Uncertain significance. Last evaluated: 2022-06-08. Review status: criteria provided, single submitter. Criteria: Invitae Variant Classification Sherloc (09022015). Collection method: clinical testing. Allele origin: germline.
Comment: This sequence change replaces valine, which is neutral and non-polar, with isoleucine, which is neutral and non-polar, at codon 2001 of the WDR87 protein (p.Val2001Ile). This variant is present in population databases (no rsID available, gnomAD 0.008%). This variant has not been reported in the literature in individuals affected with WDR87-related conditions. Algorithms developed to predict the effect of missense changes on protein structure and function (SIFT, PolyPhen-2, Align-GVGD) all suggest that this variant is likely to be tolerated. In summary, the available evidence is currently insufficient to determine the role of this variant in disease. Therefore, it has been classified as a Variant of Uncertain Significance.

NM_001291088.2(WDR87):c.6118G>A (p.Val2040Ile)

Gene: WDR87 (WD repeat domain 87; minus strand). Cytogenetic location: 19q13.13.
Variant type: single nucleotide variant.
Coding change: c.6118G>A on transcript NM_001291088.2 (MANE Select); coding-DNA position 6118, G replaced by A.
Protein change: p.Val2040Ile; replaces valine 2040 with isoleucine.
Molecular consequence: missense variant.
Genome position (GRCh38, 1-based): chr19:37,887,553, C>T on the plus strand (G>A on the coding strand, the complement: WDR87 is on the minus strand). VCF-style: chr19-37887553-C-T. GRCh37 (hg19) VCF-style: chr19-38378193-C-T.
Other names: c.6001G>A, p.Val2001Ile (NM_031951.5); short protein forms V2040I, V2001I.
Identifiers: ClinVar variation 2203142 (VCV002203142.4), dbSNP rs1020034131, ClinGen allele CA308020582.